The following is an entry in ClinVar:

ClinVar aggregate classification (germline): Likely benign. Review status: criteria provided, multiple submitters, no conflicts (2 of 4 stars). 4 submissions from 4 submitters: Likely benign (3). 1 of the submissions does not count toward it. Last evaluated 2025-12-22.

Conditions:
MYO7A-related disorder. Also called: MYO7A-related disorders.

Allele frequency attached by ClinVar (database versions not stated): ExAC 0.00003; gnomAD exomes 0.00003 and 0.00007; ESP Exome Variant Server 0.00008; gnomAD 0.00011 and 0.00012; TOPMed 0.00014.
gnomAD v4.1: 77 of 1,613,852 alleles (0.0048%); highest among the groups gnomAD compares: Admixed American, 0.037%; no homozygotes.

Submissions (4):

Labcorp Genetics (formerly Invitae), Labcorp
Classification: Likely benign. Last evaluated: 2025-12-22. Review status: criteria provided, single submitter. Criteria: Invitae Variant Classification Sherloc (09022015). Collection method: clinical testing. Allele origin: germline.

Blueprint Genetics
Classification: Likely benign. Last evaluated: 2023-11-03. Review status: criteria provided, single submitter. Criteria: ACMG Guidelines, 2015. Collection method: clinical testing. Allele origin: germline.

GeneDx
Classification: Likely benign. Last evaluated: 2021-05-06. Review status: criteria provided, single submitter. Criteria: GeneDx Variant Classification Process June 2021. Collection method: clinical testing. Allele origin: germline. Affected: yes.
Comment: This variant is associated with the following publications: (PMID: 16470552)

PreventionGenetics, part of Exact Sciences
Classification: Likely benign for MYO7A-related condition. Last evaluated: 2024-09-10. Review status: no assertion criteria provided. Collection method: clinical testing. Allele origin: germline. Not counted in ClinVar's aggregate classification.
Comment: This variant is classified as likely benign based on ACMG/AMP sequence variant interpretation guidelines (Richards et al. 2015 PMID: 25741868, with internal and published modifications).

NM_000260.4(MYO7A):c.4917G>A (p.Thr1639=)

Gene: MYO7A (myosin VIIA; plus strand). Cytogenetic location: 11q13.5.
Variant type: single nucleotide variant.
Coding change: c.4917G>A on transcript NM_000260.4 (MANE Select); coding-DNA position 4917, G replaced by A.
Protein change: p.Thr1639=; no amino-acid change (threonine 1639 retained).
Molecular consequence: synonymous variant.
Genome position (GRCh38, 1-based): chr11:77,201,512, G>A. VCF-style: chr11-77201512-G-A. GRCh37 (hg19) VCF-style: chr11-76912557-G-A.
Other names: c.4803G>A, p.Thr1601= (NM_001127180.2); c.4770G>A, p.Thr1590= (NM_001369365.1).
Identifiers: ClinVar variation 972345 (VCV000972345.12), dbSNP rs367670696, ClinGen allele CA6198574.
Genomic context (GRCh38, chr11:77,201,512, plus strand): 5'-CGAGGAGTCAGGCTTCCTCAGCTTTGCCAAGGGAGACCTCATCATCCTGGACCATGACAC[G>A]GGCGAGCAGGTCATGAACTCGGGCTGGGCCAACGGCATCAATGAGAGGACCAAGCAGCGT-3'
Protein context (NP_000251.3, residues 1629-1649): KGDLIILDHD[Thr1639=]GEQVMNSGWA